The following is an entry in ClinVar:

NM_001261826.3(AP3D1):c.3158C>G (p.Pro1053Arg)

Gene: AP3D1 (adaptor related protein complex 3 subunit delta 1; minus strand). Cytogenetic location: 19p13.3.
Variant type: single nucleotide variant.
Coding change: c.3158C>G on transcript NM_001261826.3 (MANE Select); coding-DNA position 3158, C replaced by G.
Protein change: p.Pro1053Arg; replaces proline 1053 with arginine.
Molecular consequence: missense variant.
Genome position (GRCh38, 1-based): chr19:2,110,724, G>C on the plus strand (C>G on the coding strand, the complement: AP3D1 is on the minus strand). VCF-style: chr19-2110724-G-C. GRCh37 (hg19) VCF-style: chr19-2110723-G-C.
Other names: c.2972C>G (NM_003938.5); c.3122C>G, p.Pro1041Arg (NM_001374799.1); c.2972C>G, p.Pro991Arg (NM_003938.8); short protein forms P1053R, P1041R, P991R.
Identifiers: ClinVar variation 1426228 (VCV001426228.8), dbSNP rs201595321, ClinGen allele CA9058550.

ClinVar aggregate classification (germline): Uncertain significance. Review status: criteria provided, multiple submitters, no conflicts (2 of 4 stars). 2 submissions from 2 submitters: Uncertain significance (2). Last evaluated 2025-12-31.

Conditions:
Inborn genetic diseases. Identifiers: MedGen C0950123, MeSH D030342.

Allele frequency attached by ClinVar (database versions not stated): gnomAD exomes 0.00006; TOPMed 0.00006; gnomAD 0.00007 and 0.00008; ExAC 0.00011; ESP Exome Variant Server 0.00031.
gnomAD v4.1: 209 of 1,603,680 alleles (0.013%); highest among the groups gnomAD compares: Non-Finnish European, 0.017%; 1 homozygote.

Submissions (2):

Labcorp Genetics (formerly Invitae), Labcorp
Classification: Uncertain significance. Last evaluated: 2025-12-31. Review status: criteria provided, single submitter. Criteria: Invitae Variant Classification Sherloc (09022015). Collection method: clinical testing. Allele origin: germline.
Comment: This sequence change replaces proline, which is neutral and non-polar, with arginine, which is basic and polar, at codon 1053 of the AP3D1 protein (p.Pro1053Arg). This variant is present in population databases (rs201595321, gnomAD 0.01%). This variant has not been reported in the literature in individuals affected with AP3D1-related conditions. ClinVar contains an entry for this variant (Variation ID: 1426228). An algorithm developed to predict the effect of missense changes on protein structure and function (PolyPhen-2) suggests that this variant is likely to be tolerated. In summary, the available evidence is currently insufficient to determine the role of this variant in disease. Therefore, it has been classified as a Variant of Uncertain Significance.

Ambry Genetics
Classification: Uncertain significance for Inborn genetic diseases. Last evaluated: 2024-11-26. Review status: criteria provided, single submitter. Criteria: Ambry Variant Classification Scheme 2023. Collection method: clinical testing. Allele origin: germline.